The following is an entry in ClinVar:

ClinVar aggregate classification (germline): Benign. Review status: criteria provided, multiple submitters, no conflicts (2 of 4 stars). 4 submissions from 4 submitters: Benign (4). Last evaluated 2023-11-12.

Allele frequency attached by ClinVar (database versions not stated): gnomAD exomes 0.24097 and 0.25510; 1000 Genomes Project 30x 0.24219; ExAC 0.24895; TOPMed 0.29193; gnomAD 0.29756 and 0.30798; 1000 Genomes Project 0.23003; ESP Exome Variant Server 0.31893.
gnomAD v4.1: 411,325 of 1,590,076 alleles (26%); highest among the groups gnomAD compares: African/African-American, 42%; 56,756 homozygotes.

Submissions (4):

Unidad de Genómica Garrahan, Hospital de Pediatría Garrahan
Classification: Benign. Last evaluated: 2023-11-12. Review status: criteria provided, single submitter. Criteria: ACMG Guidelines, 2015. Collection method: clinical testing. Allele origin: germline. Affected: no. Observed: 27 variant alleles.
Comment: This variant is classified as Benign based on local population frequency. This variant was detected in 28% of patients studied by a panel of primary immunodeficiencies. Number of patients: 27. Only high quality variants are reported.

GeneDx
Classification: Benign. Last evaluated: 2018-07-15. Review status: criteria provided, single submitter. Criteria: GeneDx Variant Classification Process June 2021. Collection method: clinical testing. Allele origin: germline. Affected: yes.

Breakthrough Genomics
Classification: Benign. Review status: criteria provided, single submitter. Criteria: ACMG Guidelines, 2015. Collection method: not provided. Allele origin: germline. Inheritance: Autosomal recessive inheritance. Affected: yes.

PreventionGenetics, part of Exact Sciences
Classification: Benign. Review status: criteria provided, single submitter. Criteria: ACMG Guidelines, 2015. Collection method: clinical testing. Allele origin: germline.

NM_000081.4(LYST):c.6881+44A>G

Gene: LYST (lysosomal trafficking regulator; minus strand). Cytogenetic location: 1q42.3.
Variant type: single nucleotide variant.
Coding change: c.6881+44A>G on transcript NM_000081.4 (MANE Select); 44 bases into the intron after coding-DNA position 6881, A replaced by G.
Molecular consequence: intron variant.
Genome position (GRCh38, 1-based): chr1:235,758,928, T>C on the plus strand (A>G on the coding strand, the complement: LYST is on the minus strand). VCF-style: chr1-235758928-T-C. GRCh37 (hg19) VCF-style: chr1-235922228-T-C.
Other names: c.6881+44A>G (NM_001301365.1).
Identifiers: ClinVar variation 254935 (VCV000254935.8), dbSNP rs3738519, ClinGen allele CA1466282.
Genomic context (GRCh38, chr1:235,758,928, plus strand): 5'-TGTTGTATTATAAGTGGCATAATGAAGACGTTTCCAGAGGGGTAGAGAGTCTTTAAAGAA[T>C]AGTAAAATAAAGGTGGGAGGAGTGTACAAAAACACATAAGTACCTGTGAGCACTTGCAGT-3'